The following is an entry in ClinVar:

NM_021927.3(GUF1):c.735-2A>C

Gene: GUF1 (GTP binding elongation factor GUF1; plus strand). Cytogenetic location: 4p12.
Variant type: single nucleotide variant.
Coding change: c.735-2A>C on transcript NM_021927.3 (MANE Select); the canonical splice acceptor site of the intron before coding-DNA position 735, A replaced by C.
Molecular consequence: splice acceptor variant.
Genome position (GRCh38, 1-based): chr4:44,686,508, A>C. VCF-style: chr4-44686508-A-C. GRCh37 (hg19) VCF-style: chr4-44688525-A-C.
Other names: c.735-2A>C (NM_001345868.2); c.-238-2A>C (NM_001345867.2, NM_001345869.2).
Identifiers: ClinVar variation 1512090 (VCV001512090.8), dbSNP rs749331071, ClinGen allele CA2905428.

ClinVar aggregate classification (germline): Uncertain significance (1 of 4 stars; one submission).

Allele frequency attached by ClinVar (database versions not stated): gnomAD exomes below 0.00001; ExAC 0.00001; TOPMed 0.00001; gnomAD 0.00002.
gnomAD v4.1: 3 of 1,582,406 alleles (0.00019%); highest among the groups gnomAD compares: African/African-American, 0.004%; no homozygotes.

Submission:

Labcorp Genetics (formerly Invitae), Labcorp
Classification: Uncertain significance. Last evaluated: 2024-02-17. Review status: criteria provided, single submitter. Criteria: Invitae Variant Classification Sherloc (09022015). Collection method: clinical testing. Allele origin: germline.
Comment: This sequence change affects an acceptor splice site in intron 7 of the GUF1 gene. It is expected to disrupt RNA splicing. Variants that disrupt the donor or acceptor splice site typically lead to a loss of protein function (PMID: 16199547), however the current clinical and genetic evidence is not sufficient to establish whether loss-of-function variants in GUF1 cause disease. This variant is present in population databases (rs749331071, gnomAD 0.008%). This variant has not been reported in the literature in individuals affected with GUF1-related conditions. ClinVar contains an entry for this variant (Variation ID: 1512090). Algorithms developed to predict the effect of sequence changes on RNA splicing suggest that this variant may disrupt the consensus splice site. In summary, the available evidence is currently insufficient to determine the role of this variant in disease. Therefore, it has been classified as a Variant of Uncertain Significance.

Literature cited by the submitters: PubMed 16199547.